The following is an entry in ClinVar:

NM_000090.4(COL3A1):c.2461C>A (p.Pro821Thr)

Gene: COL3A1 (collagen type III alpha 1 chain; plus strand). Cytogenetic location: 2q32.2.
Variant type: single nucleotide variant.
Coding change: c.2461C>A on transcript NM_000090.4 (MANE Select); coding-DNA position 2461, C replaced by A.
Protein change: p.Pro821Thr; replaces proline 821 with threonine.
Molecular consequence: missense variant.
Genome position (GRCh38, 1-based): chr2:189,002,970, C>A. VCF-style: chr2-189002970-C-A. GRCh37 (hg19) VCF-style: chr2-189867696-C-A.
Other names: short protein forms P821T.
Identifiers: ClinVar variation 898009 (VCV000898009.12), dbSNP rs1296092212, ClinGen allele CA349842729.
Genomic context (GRCh38, chr2:189,002,970, plus strand): 5'-CATAAAGAGTGTCAGCTGAGAGATTGCTGTTGTTGTTGCATGTAGGGACAGAATGGTGAA[C>A]CTGGTGGTAAAGGAGAAAGAGGGGCTCCGGGTGAGAAAGGTGAAGGAGGCCCTCCTGGAG-3'
Protein context (NP_000081.2, residues 811-831): FPGAPGQNGE[Pro821Thr]GGKGERGAPG

ClinVar aggregate classification (germline): Uncertain significance. Review status: criteria provided, multiple submitters, no conflicts (2 of 4 stars). 4 submissions from 4 submitters: Uncertain significance (4). Last evaluated 2025-10-13.

Conditions:
Familial thoracic aortic aneurysm and aortic dissection (TAAD). Also called: Thoracic aortic aneurysms and dissections. Identifiers: Orphanet 91387, MedGen C4707243, MONDO:0019625.
Ehlers-Danlos syndrome, type 4 (EDSVASC). Also called: Ehlers-Danlos Syndrome Type IV; Ehlers-Danlos syndrome vascular type; Ehlers Danlos syndrome, ecchymotic type; Ehlers Danlos syndrome, arterial type; Ehlers Danlos syndrome, Sack-Barabas type. Identifiers: Orphanet 286, MedGen C0268338, MONDO:0017314, OMIM 130050.

Allele frequency attached by ClinVar (database versions not stated): gnomAD exomes 0.00001.
gnomAD v4.1: 6 of 1,551,444 alleles (0.00039%); highest among the groups gnomAD compares: East Asian, 0.012%; no homozygotes.

Submissions (4):

Labcorp Genetics (formerly Invitae), Labcorp
Classification: Uncertain significance for Ehlers-Danlos syndrome, type 4. Last evaluated: 2025-10-13. Review status: criteria provided, single submitter. Criteria: Invitae Variant Classification Sherloc (09022015). Collection method: clinical testing. Allele origin: germline.
Comment: This sequence change replaces proline, which is neutral and non-polar, with threonine, which is neutral and polar, at codon 821 of the COL3A1 protein (p.Pro821Thr). This variant is present in population databases (no rsID available, gnomAD 0.02%). This variant has not been reported in the literature in individuals affected with COL3A1-related conditions. ClinVar contains an entry for this variant (Variation ID: 898009). Invitae Evidence Modeling of protein sequence and biophysical properties (such as structural, functional, and spatial information, amino acid conservation, physicochemical variation, residue mobility, and thermodynamic stability) indicates that this missense variant is not expected to disrupt COL3A1 protein function with a negative predictive value of 95%. In summary, the available evidence is currently insufficient to determine the role of this variant in disease. Therefore, it has been classified as a Variant of Uncertain Significance.

All of Us Research Program, National Institutes of Health
Classification: Uncertain significance for Ehlers-Danlos syndrome, type 4. Last evaluated: 2024-05-09. Review status: criteria provided, single submitter. Criteria: ACMG Guidelines, 2015. Collection method: clinical testing. Allele origin: germline. Inheritance: Autosomal dominant inheritance. Observed: 4 variant alleles, 4 heterozygotes.
Comment: Variant of Uncertain Significance due to insufficient evidence: This missense variant replaces proline with threonine at codon 821 of the COL3A1 protein. Computational prediction tools and conservation analyses suggest that this variant may have deleterious impact on the protein function. Computational splicing tools suggest that this variant may not impact RNA splicing. To our knowledge, functional assays have not been performed for this variant nor has this variant been reported in individuals affected with cardiovascular disorders in the literature. This variant has been identified in 2/156690 chromosomes in the general population by the Genome Aggregation Database (gnomAD). Available evidence is insufficient to determine the role of this variant in disease conclusively.

This study involves interpretation of variants in research participants for the purpose of population health screening. Participant phenotype was not available at the time of variant classification. Additional details can be found in publication PMID: 35346344, PMCID: PMC8962531

Color Diagnostics, LLC DBA Color Health
Classification: Uncertain significance for Familial thoracic aortic aneurysm and aortic dissection. Last evaluated: 2024-03-07. Review status: criteria provided, single submitter. Criteria: ACMG Guidelines, 2015. Collection method: clinical testing. Allele origin: germline.
Comment: This missense variant replaces proline with threonine at codon 821 of the COL3A1 protein. Computational prediction is inconclusive regarding the impact of this variant on protein structure and function (internally defined REVEL score threshold 0.5 < inconclusive < 0.7, PMID: 27666373). To our knowledge, functional studies have not been reported for this variant. This variant has not been reported in individuals affected with COL3A1-related disorders in the literature. This variant has been identified in 2/156690 chromosomes in the general population by the Genome Aggregation Database (gnomAD). The available evidence is insufficient to determine the role of this variant in disease conclusively. Therefore, this variant is classified as a Variant of Uncertain Significance.

Illumina Laboratory Services, Illumina
Classification: Uncertain significance for Ehlers-Danlos syndrome, type 4. Last evaluated: 2018-01-13. Review status: criteria provided, single submitter. Criteria: ICSL Variant Classification Criteria 13 December 2019. Collection method: clinical testing. Allele origin: germline.